The following is an entry in ClinVar:

ClinVar aggregate classification (germline): Uncertain significance (1 of 4 stars; one submission).

gnomAD v4.1: 18 of 1,608,500 alleles (0.0011%); highest among the groups gnomAD compares: East Asian, 0.0022%; no homozygotes.

Submission:

Mayo Clinic Laboratories, Mayo Clinic
Classification: Uncertain significance. Last evaluated: 2025-05-01. Review status: criteria provided, single submitter. Criteria: ACMG Guidelines, 2015. Collection method: clinical testing. Allele origin: germline. Observed: 1 variant allele.
Comment: PM2_supporting

NM_001136191.3(KANK2):c.566G>A (p.Arg189Gln)

Gene: KANK2 (KN motif and ankyrin repeat domains 2; minus strand). Cytogenetic location: 19p13.2.
Variant type: single nucleotide variant.
Coding change: c.566G>A on transcript NM_001136191.3 (MANE Select); coding-DNA position 566, G replaced by A.
Protein change: p.Arg189Gln; replaces arginine 189 with glutamine.
Molecular consequence: missense variant.
Genome position (GRCh38, 1-based): chr19:11,193,514, C>T on the plus strand (G>A on the coding strand, the complement: KANK2 is on the minus strand). VCF-style: chr19-11193514-C-T. GRCh37 (hg19) VCF-style: chr19-11304190-C-T.
Other names: p.Arg189Gln; c.566G>A, p.Arg189Gln (NM_001329451.2, NM_001379548.1, NM_001379549.1 and 15 more transcripts); short protein forms R189Q.
Identifiers: ClinVar variation 4542305 (VCV004542305.1).
Genomic context (GRCh38, chr19:11,193,514, plus strand): 5'-ATCAGCTTCACCTGCTCCTCCAGCTGCCGCAGCTTCCGCAGGGCACCCGCCATCTGCTCC[C>T]GCACGTGGGCCAGGTGCCCGGCACTGGGAGGCACCGGTGTGGACAGTCCTGAACTCCGTG-3'
Protein context (NP_001129663.1, residues 179-199): PPSAGHLAHV[Arg189Gln]EQMAGALRKL